The following is an entry in ClinVar:

ClinVar aggregate classification (germline): Uncertain significance (1 of 4 stars; one submission).

Conditions:
Emery-Dreifuss muscular dystrophy 5, autosomal dominant (EDMD5). Also called: EMERY-DREIFUSS MUSCULAR DYSTROPHY 5. Identifiers: Orphanet 261, MedGen C2751805, MONDO:0013072, OMIM 612999.

Allele frequency attached by ClinVar (database versions not stated): gnomAD exomes below 0.00001; gnomAD 0.00001.
gnomAD v4.1: 5 of 1,613,658 alleles (0.00031%); highest among the groups gnomAD compares: Non-Finnish European, 0.00034%; no homozygotes.

Submission:

Labcorp Genetics (formerly Invitae), Labcorp
Classification: Uncertain significance for Emery-Dreifuss muscular dystrophy 5, autosomal dominant. Last evaluated: 2021-08-14. Review status: criteria provided, single submitter. Criteria: Invitae Variant Classification Sherloc (09022015). Collection method: clinical testing. Allele origin: germline.
Comment: In summary, the available evidence is currently insufficient to determine the role of this variant in disease. Therefore, it has been classified as a Variant of Uncertain Significance. Algorithms developed to predict the effect of missense changes on protein structure and function are either unavailable or do not agree on the potential impact of this missense change (SIFT: "Tolerated"; PolyPhen-2: "Probably Damaging"; Align-GVGD: "Class C0"). This variant has not been reported in the literature in individuals affected with SYNE2-related conditions. This variant is not present in population databases (ExAC no frequency). This sequence change replaces serine with tyrosine at codon 4627 of the SYNE2 protein (p.Ser4627Tyr). The serine residue is weakly conserved and there is a large physicochemical difference between serine and tyrosine.

NM_182914.3(SYNE2):c.13880C>A (p.Ser4627Tyr)

Gene: SYNE2 (spectrin repeat containing nuclear envelope protein 2; plus strand). Cytogenetic location: 14q23.2.
Variant type: single nucleotide variant.
Coding change: c.13880C>A on transcript NM_182914.3 (MANE Select); coding-DNA position 13880, C replaced by A.
Protein change: p.Ser4627Tyr; replaces serine 4627 with tyrosine.
Molecular consequence: missense variant.
Genome position (GRCh38, 1-based): chr14:64,126,770, C>A. VCF-style: chr14-64126770-C-A. GRCh37 (hg19) VCF-style: chr14-64593488-C-A.
Other names: c.13880C>A, p.Ser4627Tyr (NM_015180.6); short protein forms S4627Y.
Identifiers: ClinVar variation 1512674 (VCV001512674.6), dbSNP rs2097950027, ClinGen allele CA389973064.